The following is an entry in ClinVar:

NM_007294.4(BRCA1):c.280C>G (p.Gln94Glu)

Gene: BRCA1 (BRCA1 DNA repair associated; minus strand). Cytogenetic location: 17q21.31.
Variant type: single nucleotide variant.
Coding change: c.280C>G on transcript NM_007294.4 (MANE Select); coding-DNA position 280, C replaced by G.
Protein change: p.Gln94Glu; replaces glutamine 94 with glutamic acid.
Molecular consequence: missense variant. On other transcripts: non-coding transcript variant (1).
Genome position (GRCh38, 1-based): chr17:43,104,889, G>C on the plus strand (C>G on the coding strand, the complement: BRCA1 is on the minus strand). VCF-style: chr17-43104889-G-C. GRCh37 (hg19) VCF-style: chr17-41256906-G-C.
Other names: c.70C>G, p.Gln24Glu (NM_001407571.1, NM_001407853.1, NM_001407879.1 and 58 more transcripts); c.280C>G, p.Gln94Glu (NM_001407581.1, NM_001407582.1, NM_001407583.1 and 168 more transcripts); c.202C>G, p.Gln68Glu (NM_001407653.1, NM_001407654.1, NM_001407655.1 and 21 more transcripts); c.139C>G, p.Gln47Glu (NM_001407692.1, NM_001407694.1, NM_001407695.1 and 99 more transcripts); c.-102C>G (NM_001407959.1, NM_001407960.1, NM_001407962.1 and 4 more transcripts); c.148C>G, p.Gln50Glu (NM_001408451.1); short protein forms Q47E, Q94E, Q68E, Q50E, Q24E.
Identifiers: ClinVar variation 865627 (VCV000865627.3), dbSNP rs886037972, ClinGen allele CA10601594.
Genomic context (GRCh38, chr17:43,104,889, plus strand): 5'-CAGCACTTGAGTGTCATTCTTGGGATATTCAACACTTACACTCCAAACCTGTGTCAAGCT[G>C]AAAAGCACAAATGATTTTCAATAGCTCTTCAACAAGTTGACTAAATCTCGTACTTTCTTG-3'
Protein context (NP_009225.1, residues 84-104): EELLKIICAF[Gln94Glu]LDTGLEYANS

Conditions:
Breast-ovarian cancer, familial, susceptibility to, 1 (BROVCA1). Also called: BRCA1 Hereditary Breast and Ovarian Cancer; OVARIAN CANCER, SUSCEPTIBILITY TO. Identifiers: Orphanet 145, MedGen C2676676, MONDO:0011450, OMIM 604370. Disease mechanism: loss of function.

Submission:

Brotman Baty Institute, University of Washington
No classification provided (evidence only). Condition: Breast-ovarian cancer, familial 1. Review status: no classification provided. Collection method: in vitro. Allele origin: not applicable. Functional consequence: functionally_normal.
ClinVar note: "not provided" was previously submitted as the classification for the variant. However, the classification appeared to be based only on an observation of functional data so it was converted to no classification on 2025-07-30.